The following is an entry in ClinVar:

ClinVar aggregate classification (germline): Uncertain significance (1 of 4 stars; one submission).

Allele frequency attached by ClinVar (database versions not stated): ExAC 0.00001.
gnomAD v4.1: 5 of 1,614,120 alleles (0.00031%); highest among the groups gnomAD compares: Admixed American, 0.005%; no homozygotes.

Submission:

Labcorp Genetics (formerly Invitae), Labcorp
Classification: Uncertain significance. Last evaluated: 2022-09-15. Review status: criteria provided, single submitter. Criteria: Invitae Variant Classification Sherloc (09022015). Collection method: clinical testing. Allele origin: germline.
Comment: This sequence change replaces phenylalanine, which is neutral and non-polar, with tyrosine, which is neutral and polar, at codon 575 of the PPP1R15B protein (p.Phe575Tyr). This variant is present in population databases (rs764340972, gnomAD 0.006%). This variant has not been reported in the literature in individuals affected with PPP1R15B-related conditions. Advanced modeling of protein sequence and biophysical properties (such as structural, functional, and spatial information, amino acid conservation, physicochemical variation, residue mobility, and thermodynamic stability) performed at Invitae indicates that this missense variant is expected to disrupt PPP1R15B protein function. In summary, the available evidence is currently insufficient to determine the role of this variant in disease. Therefore, it has been classified as a Variant of Uncertain Significance.

NM_032833.5(PPP1R15B):c.1724T>A (p.Phe575Tyr)

Gene: PPP1R15B (protein phosphatase 1 regulatory subunit 15B; minus strand). Cytogenetic location: 1q32.1.
Variant type: single nucleotide variant.
Coding change: c.1724T>A on transcript NM_032833.5 (MANE Select); coding-DNA position 1724, T replaced by A.
Protein change: p.Phe575Tyr; replaces phenylalanine 575 with tyrosine.
Molecular consequence: missense variant.
Genome position (GRCh38, 1-based): chr1:204,409,688, A>T on the plus strand (T>A on the coding strand, the complement: PPP1R15B is on the minus strand). VCF-style: chr1-204409688-A-T. GRCh37 (hg19) VCF-style: chr1-204378816-A-T.
Other names: short protein forms F575Y.
Identifiers: ClinVar variation 2026514 (VCV002026514.4), dbSNP rs764340972, ClinGen allele CA1346580.